The following is an entry in ClinVar:

ClinVar aggregate classification (germline): Conflicting classifications of pathogenicity. Review status: criteria provided, conflicting classifications (1 of 4 stars). 3 submissions from 3 submitters: Uncertain significance (1); Benign (1); Likely benign (1). Last evaluated 2026-01-05.

Conditions:
Cardiovascular phenotype. Identifiers: MedGen CN230736.
Duchenne muscular dystrophy (DMD). Also called: MUSCULAR DYSTROPHY, PSEUDOHYPERTROPHIC PROGRESSIVE, DUCHENNE TYPE; Duchenne Muscular Dystrophy (DMD). Identifiers: Orphanet 98896, MedGen C0013264, MONDO:0010679, OMIM 310200.

Allele frequency attached by ClinVar (database versions not stated): gnomAD 0.00001; gnomAD exomes 0.00004; ExAC 0.00005; 1000 Genomes Project 30x 0.00021; 1000 Genomes Project 0.00026.
gnomAD v4.1: 19 of 1,209,900 alleles (0.0016%); highest among the groups gnomAD compares: South Asian, 0.033%; no homozygotes.

Submissions (3):

Labcorp Genetics (formerly Invitae), Labcorp
Classification: Benign for Duchenne muscular dystrophy. Last evaluated: 2026-01-05. Review status: criteria provided, single submitter. Criteria: Invitae Variant Classification Sherloc (09022015). Collection method: clinical testing. Allele origin: germline.

CeGaT Center for Human Genetics Tuebingen
Classification: Likely benign. Last evaluated: 2025-03-01. Review status: criteria provided, single submitter. Criteria: CeGaT Center For Human Genetics Tuebingen Variant Classification Criteria Version 2. Collection method: clinical testing. Allele origin: germline. Affected: yes. Observed: 1 variant allele.
Comment: DMD: BP4, BS2

Ambry Genetics
Classification: Uncertain significance for Cardiovascular phenotype. Last evaluated: 2020-08-11. Review status: criteria provided, single submitter. Criteria: Ambry Variant Classification Scheme 2023. Collection method: clinical testing. Allele origin: germline.
Comment: The p.A642T variant (also known as c.1924G>A), located in coding exon 16 of the DMD gene, results from a G to A substitution at nucleotide position 1924. The alanine at codon 642 is replaced by threonine, an amino acid with similar properties. Based on data from gnomAD, the A allele has an overall frequency of 0.004% (8/183206) total alleles studied, including a total of 5 hemizygotes. The highest observed frequency was 0.04% (8/19074) of South Asian alleles. This amino acid position is not well conserved in available vertebrate species. In addition, this alteration is predicted to be tolerated by in silico analysis. Since supporting evidence is limited at this time, the clinical significance of this alteration remains unclear.

NM_004006.3(DMD):c.1924G>A (p.Ala642Thr)

Gene: DMD (dystrophin; minus strand). Cytogenetic location: Xp21.1.
Variant type: single nucleotide variant.
Coding change: c.1924G>A on transcript NM_004006.3 (MANE Select); coding-DNA position 1924, G replaced by A.
Protein change: p.Ala642Thr; replaces alanine 642 with threonine.
Molecular consequence: missense variant.
Genome position (GRCh38, 1-based): chrX:32,565,770, C>T on the plus strand (G>A on the coding strand, the complement: DMD is on the minus strand). VCF-style: chrX-32565770-C-T. GRCh37 (hg19) VCF-style: chrX-32583887-C-T.
Other names: c.1900G>A, p.Ala634Thr (NM_000109.4); c.1912G>A, p.Ala638Thr (NM_004009.3); c.1555G>A, p.Ala519Thr (NM_004010.3); short protein forms A519T, A634T, A638T, A642T.
Identifiers: ClinVar variation 1167724 (VCV001167724.18), dbSNP rs779138399, ClinGen allele CA10379683.